The following is an entry in ClinVar:

ClinVar aggregate classification (germline): Uncertain significance. Review status: criteria provided, multiple submitters, no conflicts (2 of 4 stars). 2 submissions from 2 submitters: Uncertain significance (2). Last evaluated 2026-01-11.

Conditions:
Hereditary cancer-predisposing syndrome. Also called: Tumor predisposition; Hereditary neoplastic syndrome; Neoplastic Syndromes, Hereditary; Hereditary Cancer Syndrome. Identifiers: Orphanet 140162, MedGen C0027672, MeSH D009386, MONDO:0015356.
Familial melanoma. Also called: Hereditary melanoma; Hereditary cutaneous melanoma. Identifiers: Orphanet 618, MedGen C1512419, MONDO:0018961.

Submissions (2):

Labcorp Genetics (formerly Invitae), Labcorp
Classification: Uncertain significance for Familial melanoma. Last evaluated: 2026-01-11. Review status: criteria provided, single submitter. Criteria: Invitae Variant Classification Sherloc (09022015). Collection method: clinical testing. Allele origin: germline.
Comment: This sequence change replaces arginine, which is basic and polar, with histidine, which is basic and polar, at codon 55 of the CDK4 protein (p.Arg55His). This variant is not present in population databases (gnomAD no frequency). This variant has not been reported in the literature in individuals affected with CDK4-related conditions. ClinVar contains an entry for this variant (Variation ID: 1358451). Invitae Evidence Modeling of protein sequence and biophysical properties (such as structural, functional, and spatial information, amino acid conservation, physicochemical variation, residue mobility, and thermodynamic stability) indicates that this missense variant is expected to disrupt CDK4 protein function with a positive predictive value of 95%. In summary, the available evidence is currently insufficient to determine the role of this variant in disease. Therefore, it has been classified as a Variant of Uncertain Significance.

Ambry Genetics
Classification: Uncertain significance for Hereditary cancer-predisposing syndrome. Last evaluated: 2023-09-18. Review status: criteria provided, single submitter. Criteria: Ambry Variant Classification Scheme 2023. Collection method: clinical testing. Allele origin: germline.
Comment: The p.R55H variant (also known as c.164G>A), located in coding exon 1 of the CDK4 gene, results from a G to A substitution at nucleotide position 164. The arginine at codon 55 is replaced by histidine, an amino acid with highly similar properties. This amino acid position is highly conserved in available vertebrate species. In addition, the in silico prediction for this alteration is inconclusive. Since supporting evidence is limited at this time, the clinical significance of this alteration remains unclear.

NM_000075.4(CDK4):c.164G>A (p.Arg55His)

Genes: CDK4 (cyclin dependent kinase 4; minus strand), LOC130008148 (ATAC-STARR-seq lymphoblastoid silent region 4588; plus strand). Cytogenetic location: 12q14.1.
Variant type: single nucleotide variant.
Coding change: c.164G>A on transcript NM_000075.4 (MANE Select); coding-DNA position 164, G replaced by A.
Protein change: p.Arg55His; replaces arginine 55 with histidine.
Molecular consequence: missense variant.
Genome position (GRCh38, 1-based): chr12:57,751,554, C>T on the plus strand (G>A on the coding strand, the complement: CDK4 is on the minus strand). VCF-style: chr12-57751554-C-T. GRCh37 (hg19) VCF-style: chr12-58145337-C-T.
Other names: short protein forms R55H.
Identifiers: ClinVar variation 1358451 (VCV001358451.10), dbSNP rs2140388274, ClinGen allele CA385548630.